The following is an entry in ClinVar:

ClinVar aggregate classification (germline): Likely benign. Review status: criteria provided, multiple submitters, no conflicts (2 of 4 stars). 2 submissions from 2 submitters: Likely benign (2). Last evaluated 2018-06-14.

Allele frequency attached by ClinVar (database versions not stated): TOPMed 0.01975; 1000 Genomes Project 30x 0.01374; ESP Exome Variant Server 0.02234; 1000 Genomes Project 0.01358.

Submissions (2):

GeneDx
Classification: Likely benign. Last evaluated: 2018-06-14. Review status: criteria provided, single submitter. Criteria: GeneDx Variant Classification (06012015). Collection method: clinical testing. Allele origin: germline. Affected: yes.
Comment: This variant is considered likely benign or benign based on one or more of the following criteria: it is a conservative change, it occurs at a poorly conserved position in the protein, it is predicted to be benign by multiple in silico algorithms, and/or has population frequency not consistent with disease.

Breakthrough Genomics
Classification: Likely benign. Review status: criteria provided, single submitter. Criteria: ACMG Guidelines, 2015. Collection method: not provided. Allele origin: germline. Inheritance: Autosomal recessive inheritance. Affected: yes.

NM_020631.4(PLEKHG5):c.-27912C>G

Genes: PLEKHG5 (pleckstrin homology and RhoGEF domain containing G5; minus strand), LOC129388429 (MPRA-validated peak31 silencer; plus strand). Cytogenetic location: 1p36.31.
Variant type: single nucleotide variant.
Coding change: c.-27912C>G on transcript NM_020631.4; 27912 bases upstream of the start codon, C replaced by G.
Molecular consequence: 5 prime UTR variant (on NM_198681.4).
Genome position (GRCh38, 1-based): chr1:6,519,461, G>C on the plus strand (C>G on the coding strand, the complement: PLEKHG5 is on the minus strand). VCF-style: chr1-6519461-G-C. GRCh37 (hg19) VCF-style: chr1-6579521-G-C.
Other names: c.-181C>G (NM_198681.4).
Identifiers: ClinVar variation 670484 (VCV000670484.4), dbSNP rs17438786, ClinGen allele CA562151.
Genomic context (GRCh38, chr1:6,519,461, plus strand): 5'-CTCAAACCTCCTTTCTAGACAAAAGAGATAGAAAACATACTCACCGGTTCCTGAACAAAG[G>C]CTGAGCCAGCTTCGAGGTGGAGACCCATGTTTTGTCAGGACTGAATTCATGCTTGACCTC-3'